The following is an entry in ClinVar:

ClinVar aggregate classification (germline): Uncertain significance (1 of 4 stars; one submission).

Conditions:
Holoprosencephaly sequence (HPE). Also called: Holoprosencephaly. Identifiers: Orphanet 2162, MedGen C0079541, MONDO:0016296, HP:0001360.

Submission:

Labcorp Genetics (formerly Invitae), Labcorp
Classification: Uncertain significance for Holoprosencephaly sequence. Last evaluated: 2025-12-08. Review status: criteria provided, single submitter. Criteria: Invitae Variant Classification Sherloc (09022015). Collection method: clinical testing. Allele origin: germline.
Comment: This sequence change replaces glycine, which is neutral and non-polar, with glutamic acid, which is acidic and polar, at codon 174 of the FOXH1 protein (p.Gly174Glu). This variant is present in population databases (rs769851942, gnomAD 0.003%). This variant has not been reported in the literature in individuals affected with FOXH1-related conditions. ClinVar contains an entry for this variant (Variation ID: 3708958). Invitae Evidence Modeling of protein sequence and biophysical properties (such as structural, functional, and spatial information, amino acid conservation, physicochemical variation, residue mobility, and thermodynamic stability) indicates that this missense variant is not expected to disrupt FOXH1 protein function with a negative predictive value of 80%. In summary, the available evidence is currently insufficient to determine the role of this variant in disease. Therefore, it has been classified as a Variant of Uncertain Significance.

NM_003923.3(FOXH1):c.521G>A (p.Gly174Glu)

Gene: FOXH1 (forkhead box H1; minus strand). Cytogenetic location: 8q24.3.
Variant type: single nucleotide variant.
Coding change: c.521G>A on transcript NM_003923.3 (MANE Select); coding-DNA position 521, G replaced by A.
Protein change: p.Gly174Glu; replaces glycine 174 with glutamic acid.
Molecular consequence: missense variant.
Genome position (GRCh38, 1-based): chr8:144,474,815, C>T on the plus strand (G>A on the coding strand, the complement: FOXH1 is on the minus strand). VCF-style: chr8-144474815-C-T. GRCh37 (hg19) VCF-style: chr8-145700198-C-T.
Other names: short protein forms G174E.
Identifiers: ClinVar variation 3708958 (VCV003708958.2).